The following is an entry in ClinVar:

NM_022489.4(INF2):c.733C>G (p.Leu245Val)

Gene: INF2 (inverted formin 2; plus strand). Cytogenetic location: 14q32.33.
Variant type: single nucleotide variant.
Coding change: c.733C>G on transcript NM_022489.4 (MANE Select); coding-DNA position 733, C replaced by G.
Protein change: p.Leu245Val; replaces leucine 245 with valine.
Molecular consequence: missense variant.
Genome position (GRCh38, 1-based): chr14:104,706,066, C>G. VCF-style: chr14-104706066-C-G. GRCh37 (hg19) VCF-style: chr14-105172403-C-G.
Other names: p.Leu245Val; c.733C>G, p.Leu245Val (NM_001031714.4); short protein forms L245V.
Identifiers: ClinVar variation 472870 (VCV000472870.14), dbSNP rs765986755, ClinGen allele CA7372412.
Genomic context (GRCh38, chr14:104,706,066, plus strand): 5'-GCTTAGCCCACCTGGCCCCTCCTGCACAGAGACCTGGAGGATGCCGACCTGCTGATCCAG[C>G]TGGAGGCTTTCGAGGAGGCTAAGGCCGAGGACGAGGAGGAGCTGCTGCGAGTCTCTGGCG-3'
Protein context (NP_071934.3, residues 235-255): DLEDADLLIQ[Leu245Val]EAFEEAKAED

ClinVar aggregate classification (germline): Conflicting classifications of pathogenicity. Review status: criteria provided, conflicting classifications (1 of 4 stars). 4 submissions from 4 submitters: Uncertain significance (3); Likely benign (1). Last evaluated 2025-03-12.

Conditions:
Focal segmental glomerulosclerosis 5 (FSGS5). Identifiers: Orphanet 656, MedGen C2750475, MONDO:0013191, OMIM 613237.
Charcot-Marie-Tooth disease dominant intermediate E. Also called: CHARCOT-MARIE-TOOTH NEUROPATHY WITH FOCAL SEGMENTAL GLOMERULONEPHRITIS. Identifiers: Orphanet 93114, MedGen C4302667, MONDO:0013758, OMIM 614455.
Inborn genetic diseases. Identifiers: MedGen C0950123, MeSH D030342.

Allele frequency attached by ClinVar (database versions not stated): TOPMed below 0.00001; gnomAD 0.00001; gnomAD exomes 0.00001; ExAC 0.00003.
gnomAD v4.1: 9 of 1,612,456 alleles (0.00056%); highest among the groups gnomAD compares: Non-Finnish European, 0.00068%; no homozygotes.

Submissions (4):

Mayo Clinic Laboratories, Mayo Clinic
Classification: Uncertain significance. Last evaluated: 2025-03-12. Review status: criteria provided, single submitter. Criteria: ACMG Guidelines, 2015. Collection method: clinical testing. Allele origin: germline. Observed: 1 variant allele.
Comment: BS2

Fulgent Genetics
Classification: Uncertain significance for Focal segmental glomerulosclerosis 5; Charcot-Marie-Tooth disease dominant intermediate E. Last evaluated: 2024-06-04. Review status: criteria provided, single submitter. Criteria: ACMG Guidelines, 2015. Collection method: clinical testing. Allele origin: germline.

Labcorp Genetics (formerly Invitae), Labcorp
Classification: Likely benign for Charcot-Marie-Tooth disease dominant intermediate E; Focal segmental glomerulosclerosis 5. Last evaluated: 2024-01-31. Review status: criteria provided, single submitter. Criteria: Invitae Variant Classification Sherloc (09022015). Collection method: clinical testing. Allele origin: germline.

Ambry Genetics
Classification: Uncertain significance for Inborn genetic diseases. Last evaluated: 2021-04-01. Review status: criteria provided, single submitter. Criteria: Ambry Variant Classification Scheme 2023. Collection method: clinical testing. Allele origin: germline.
Comment: The p.L245V variant (also known as c.733C>G), located in coding exon 5 of the INF2 gene, results from a C to G substitution at nucleotide position 733. The leucine at codon 245 is replaced by valine, an amino acid with highly similar properties. This amino acid position is not well conserved in available vertebrate species. In addition, the in silico prediction for this alteration is inconclusive. Since supporting evidence is limited at this time, the clinical significance of this alteration remains unclear.